The following is an entry in ClinVar:

NM_000426.4(LAMA2):c.8711A>G (p.Tyr2904Cys)

Gene: LAMA2 (laminin subunit alpha 2; plus strand). Cytogenetic location: 6q22.33.
Variant type: single nucleotide variant.
Coding change: c.8711A>G on transcript NM_000426.4 (MANE Select); coding-DNA position 8711, A replaced by G.
Protein change: p.Tyr2904Cys; replaces tyrosine 2904 with cysteine.
Molecular consequence: missense variant.
Genome position (GRCh38, 1-based): chr6:129,507,496, A>G. VCF-style: chr6-129507496-A-G. GRCh37 (hg19) VCF-style: chr6-129828641-A-G.
Other names: c.8699A>G, p.Tyr2900Cys (NM_001079823.2); short protein forms Y2900C, Y2904C.
Identifiers: ClinVar variation 2074515 (VCV002074515.1), dbSNP rs775781970, ClinGen allele CA3994902.

ClinVar aggregate classification (germline): Uncertain significance (1 of 4 stars; one submission).

Conditions:
LAMA2-related muscular dystrophy (LAMA2-RD). Also called: Laminin alpha 2-related dystrophy. Identifiers: MedGen C5679788, MONDO:0100228.

Allele frequency attached by ClinVar (database versions not stated): TOPMed 0.00001; ExAC 0.00002; gnomAD exomes 0.00004; gnomAD 0.00001.
gnomAD v4.1: 57 of 1,614,056 alleles (0.0035%); highest among the groups gnomAD compares: East Asian, 0.0089%; no homozygotes.

Submission:

Labcorp Genetics (formerly Invitae), Labcorp
Classification: Uncertain significance for LAMA2-related muscular dystrophy. Last evaluated: 2022-07-05. Review status: criteria provided, single submitter. Criteria: Invitae Variant Classification Sherloc (09022015). Collection method: clinical testing. Allele origin: germline.
Comment: This sequence change replaces tyrosine, which is neutral and polar, with cysteine, which is neutral and slightly polar, at codon 2904 of the LAMA2 protein (p.Tyr2904Cys). This variant is present in population databases (rs775781970, gnomAD 0.02%). This variant has not been reported in the literature in individuals affected with LAMA2-related conditions. Algorithms developed to predict the effect of missense changes on protein structure and function are either unavailable or do not agree on the potential impact of this missense change (SIFT: "Tolerated"; PolyPhen-2: "Probably Damaging"; Align-GVGD: "Class C0"). In summary, the available evidence is currently insufficient to determine the role of this variant in disease. Therefore, it has been classified as a Variant of Uncertain Significance.